The following is an entry in ClinVar:

ClinVar aggregate classification (germline): Benign/Likely benign. Review status: criteria provided, multiple submitters, no conflicts (2 of 4 stars). 13 submissions from 13 submitters: Benign (5); Likely benign (4). 4 of the submissions do not count toward it. Last evaluated 2026-10-01.

Conditions:
Arrhythmogenic cardiomyopathy with wooly hair and keratoderma. Also called: Carvajal syndrome; Dilated cardiomyopathy with woolly hair and keratoderma; Arrhythmogenic cardiomyopathy with woolly hair and keratoderma; PALMOPLANTAR KERATODERMA WITH LEFT VENTRICULAR CARDIOMYOPATHY AND WOOLLY HAIR. Identifiers: Orphanet 65282, MedGen C1854063, MONDO:0011581, OMIM 605676.
Arrhythmogenic right ventricular dysplasia 8 (ARVD8). Also called: Arrhythmogenic Right Ventricular Dysplasia/Cardiomyopathy 8; ARRHYTHMOGENIC RIGHT VENTRICULAR DYSPLASIA, FAMILIAL, 8; ARRHYTHMOGENIC RIGHT VENTRICULAR CARDIOMYOPATHY 8. Identifiers: MedGen C1843896, MONDO:0011831, OMIM 607450.
Cardiomyopathy (CMYO). Also called: Cardiomyopathies. Identifiers: Orphanet 167848, MedGen C0878544, MONDO:0004994, HP:0001638. Inheritance: Various modes of inheritance.

Allele frequency attached by ClinVar (database versions not stated): TOPMed 0.00076; gnomAD 0.00078 and 0.00083.

Submissions (13):

CeGaT Center for Human Genetics Tuebingen
Classification: Likely benign. Last evaluated: 2026-10-01. Review status: criteria provided, single submitter. Criteria: CeGaT Center For Human Genetics Tuebingen Variant Classification Criteria Version 2. Collection method: clinical testing. Allele origin: germline. Affected: yes. Observed: 7 variant alleles.
Comment: DSP: PM2:Supporting, BP4, BP7

Labcorp Genetics (formerly Invitae), Labcorp
Classification: Likely benign for Arrhythmogenic cardiomyopathy with wooly hair and keratoderma; Arrhythmogenic right ventricular dysplasia 8. Last evaluated: 2026-02-01. Review status: criteria provided, single submitter. Criteria: Invitae Variant Classification Sherloc (09022015). Collection method: clinical testing. Allele origin: germline.

Molecular Diagnostic Laboratory for Inherited Cardiovascular Disease, Montreal Heart Institute
Classification: Benign. Last evaluated: 2025-02-17. Review status: criteria provided, single submitter. Criteria: ACMG Guidelines, 2015. Collection method: clinical testing. Allele origin: germline. Affected: no.

Blueprint Genetics
Classification: Likely benign. Last evaluated: 2024-11-18. Review status: criteria provided, single submitter. Criteria: ACMG Guidelines, 2015. Collection method: clinical testing. Allele origin: germline.

Women's Health and Genetics/Laboratory Corporation of America, LabCorp
Classification: Benign. Last evaluated: 2019-10-15. Review status: criteria provided, single submitter. Criteria: LabCorp Variant Classification Summary - May 2015. Collection method: clinical testing. Allele origin: germline.

ARUP Laboratories, Molecular Genetics and Genomics, ARUP Laboratories
Classification: Likely benign. Last evaluated: 2019-10-11. Review status: criteria provided, single submitter. Criteria: ARUP Molecular Germline Variant Investigation Process. Collection method: clinical testing. Allele origin: germline.

CHEO Genetics Diagnostic Laboratory, Children's Hospital of Eastern Ontario
Classification: Benign for Cardiomyopathy. Last evaluated: 2019-03-05. Review status: criteria provided, single submitter. Criteria: ACMG Guidelines, 2015. Collection method: clinical testing. Allele origin: germline.

Laboratory for Molecular Medicine, Mass General Brigham Personalized Medicine
Classification: Benign. Last evaluated: 2019-02-22. Review status: criteria provided, single submitter. Criteria: LMM Criteria. Collection method: clinical testing. Allele origin: germline. Observed: 3 variant alleles.
Comment: The p.Ala247Ala variant (c.741T>A) represents a reference sequence error. It is classified as benign because it does not alter an amino acid residue and has been identified in 0.14% (173/126656) of European chromosomes by the Genome Aggregation Database (gnomAD). ACMG/AMP Criteria applied: BA1, BP4, BP7.

GeneDx
Classification: Benign. Last evaluated: 2014-05-30. Review status: criteria provided, single submitter. Criteria: GeneDx Variant Classification (06012015). Collection method: clinical testing. Allele origin: germline. Affected: yes.
Comment: This variant is considered likely benign or benign based on one or more of the following criteria: it is a conservative change, it occurs at a poorly conserved position in the protein, it is predicted to be benign by multiple in silico algorithms, and/or has population frequency not consistent with disease.

Clinical Genetics DNA and cytogenetics Diagnostics Lab, Erasmus MC, Erasmus Medical Center
Classification: Benign. Review status: no assertion criteria provided. Collection method: clinical testing. Allele origin: germline. Affected: yes. Study: VKGL Data-share Consensus. Not counted in ClinVar's aggregate classification.

Clinical Genetics, Academic Medical Center
Classification: Benign. Review status: no assertion criteria provided. Collection method: clinical testing. Allele origin: germline. Affected: yes. Study: VKGL Data-share Consensus. Not counted in ClinVar's aggregate classification.

Diagnostic Laboratory, Department of Genetics, University Medical Center Groningen
Classification: Likely benign. Review status: no assertion criteria provided. Collection method: clinical testing. Allele origin: germline. Affected: yes. Study: VKGL Data-share Consensus. Not counted in ClinVar's aggregate classification.

Genome Diagnostics Laboratory, University Medical Center Utrecht
Classification: Benign. Review status: no assertion criteria provided. Collection method: clinical testing. Allele origin: germline. Affected: yes. Study: VKGL Data-share Consensus. Not counted in ClinVar's aggregate classification.

NM_004415.4(DSP):c.741G>A (p.Ala247=)

Gene: DSP (desmoplakin; plus strand). Cytogenetic location: 6p24.3.
Variant type: single nucleotide variant.
Coding change: c.741G>A on transcript NM_004415.4 (MANE Select); coding-DNA position 741, G replaced by A.
Protein change: p.Ala247=; no amino-acid change (alanine 247 retained).
Molecular consequence: synonymous variant.
Genome position (GRCh38, 1-based): chr6:7,563,750, G>A. VCF-style: chr6-7563750-G-A. GRCh37 (hg19) VCF-style: chr6-7563983-T-A.
Other names: p.A247A:GCG>GCA; c.741G>A, p.Ala247= (NM_001008844.3, NM_001319034.2).
Identifiers: ClinVar variation 44951 (VCV000044951.68), dbSNP rs2806234, ClinGen allele CA007199.
Genomic context (GRCh38, chr6:7,563,750, plus strand): 5'-AATCCACAAGGGGATTTATATCTACCTGCTTTTTGTTGTCTTCTAGCGCGAGAAATCTGC[G>A]ATCTACCAGTTGGAGGAGGAGTATGAAAACCTGCTGGTAAGCTGATTTATTTCTCAAGTG-3'
Protein context (NP_004406.2, residues 237-257): KIKADLREKS[Ala247=]IYQLEEEYEN